The following is an entry in ClinVar:

NM_176824.3(BBS7):c.746T>A (p.Ile249Asn)

Gene: BBS7 (Bardet-Biedl syndrome 7; minus strand). Cytogenetic location: 4q27.
Variant type: single nucleotide variant.
Coding change: c.746T>A on transcript NM_176824.3 (MANE Select); coding-DNA position 746, T replaced by A.
Protein change: p.Ile249Asn; replaces isoleucine 249 with asparagine.
Molecular consequence: missense variant.
Genome position (GRCh38, 1-based): chr4:121,853,059, A>T on the plus strand (T>A on the coding strand, the complement: BBS7 is on the minus strand). VCF-style: chr4-121853059-A-T. GRCh37 (hg19) VCF-style: chr4-122774214-A-T.
Other names: c.746T>A, p.Ile249Asn (NM_018190.4); short protein forms I249N.
Identifiers: ClinVar variation 2572076 (VCV002572076.2), dbSNP rs767905893, ClinGen allele CA3064414.
Genomic context (GRCh38, chr4:121,853,059, plus strand): 5'-TACACTTCCACCATTCCGTCATCTCTCCCAACAAGTAAATCTTTAACCCCATCACCCACA[A>T]TGTCAAAGCTGTCAATACACAAAATACCTTTAAAAAGAGATATGTGATAAGTTATTAAGA-3'
Protein context (NP_789794.1, residues 239-259): GGILCIDSFD[Ile249Asn]VGDGVKDLLV

ClinVar aggregate classification (germline): Likely pathogenic. Review status: criteria provided, single submitter (1 of 4 stars). 2 submissions from 2 submitters: Likely pathogenic (1). 1 of the submissions does not count toward it. Last evaluated 2024-10-08.

Conditions:
BBS7-related disorder. Also called: BBS7-related condition.
Bardet-Biedl syndrome (BBS). Identifiers: Orphanet 110, MedGen C0752166, MONDO:0015229.

Allele frequency attached by ClinVar (database versions not stated): ExAC 0.00001.
gnomAD v4.1: 1 of 1,613,650 alleles (0.000062%); highest among the groups gnomAD compares: South Asian, 0.0011%; no homozygotes.

Submissions (2):

Blueprint Genetics
Classification: Likely pathogenic for BBS7-related disorders. Last evaluated: 2024-10-08. Review status: criteria provided, single submitter. Criteria: ACMG Guidelines, 2015. Collection method: clinical testing. Allele origin: germline. Affected: yes. Observed: 3 variant alleles.

Clinical Genomics Laboratory, IWK Health Center
Classification: Uncertain significance for Bardet-Biedl Syndrome. Last evaluated: 2023-07-14. Review status: no assertion criteria provided. Collection method: clinical testing. Allele origin: germline. Affected: yes. Not counted in ClinVar's aggregate classification.
Comment: This variant is predicted to result in an amino acid substitution of Isoleucine with Asparagine at codon 249 of the encoded protein (p.Ile249Asn). The variant is located in the beta-propeller domain of the BBS7 protein (PMID: 31530639). Missense variants are a known mechanism of disease in patients with BBS 7 (OMIM *607590; PMID: 34526762; 26518167; 12567324). Classifications of alternate missense variants in close proximity of this variant range from uncertain significance to pathogenic in the ClinVar database, which suggests that this site may be functionally relevant. The maximum allele frequency is 0.00003268 in the South Asian population (gnomAD), which indicates that this variant is rare in the general population. In silico analysis supports that this variant is possibly damaging (REVEL) and the site is conserved (GERP). This variant is not predicted to have major impact on splicing (SpliceAI). To our knowledge this variant has not been reported in individuals with clinical features of Bardet-Biedl syndrome in the literature to date. Based on the available evidence, this variant is classified as a variant of uncertain significance.

Literature cited by the submitters: PubMed 31530639 (cited by Clinical Genomics Laboratory, IWK Health Center); PubMed 34526762 (cited by Clinical Genomics Laboratory, IWK Health Center); PubMed 26518167 (cited by Clinical Genomics Laboratory, IWK Health Center); PubMed 12567324 (cited by Clinical Genomics Laboratory, IWK Health Center).